The following is an entry in ClinVar:

NM_000540.3(RYR1):c.11582A>G (p.Asp3861Gly)

Gene: RYR1 (ryanodine receptor 1; plus strand). Cytogenetic location: 19q13.2.
Variant type: single nucleotide variant.
Coding change: c.11582A>G on transcript NM_000540.3 (MANE Select); coding-DNA position 11582, A replaced by G.
Protein change: p.Asp3861Gly; replaces aspartic acid 3861 with glycine.
Molecular consequence: missense variant.
Genome position (GRCh38, 1-based): chr19:38,536,062, A>G. VCF-style: chr19-38536062-A-G. GRCh37 (hg19) VCF-style: chr19-39026702-A-G.
Other names: c.11567A>G, p.Asp3856Gly (NM_001042723.2); short protein forms D3861G, D3856G.
Identifiers: ClinVar variation 590386 (VCV000590386.5), dbSNP rs1219842381, ClinGen allele CA405656766.

ClinVar aggregate classification (germline): Uncertain significance. Review status: criteria provided, multiple submitters, no conflicts (2 of 4 stars). 3 submissions from 3 submitters: Uncertain significance (3). Last evaluated 2025-08-26.

Conditions:
Malignant hyperthermia, susceptibility to, 1 (MHS1). Also called: Anesthesia related hyperthermia; Malignant hyperpyrexia; Fulminating hyperpyrexia; Pharmacogenic myopathy; RYR1-Related Malignant Hyperthermia Susceptibility; Malignant hyperthermia suceptibility 1. Identifiers: Orphanet 423, MedGen C2930980, MONDO:0007783, OMIM 145600.

Allele frequency attached by ClinVar (database versions not stated): gnomAD exomes below 0.00001; TOPMed below 0.00001; gnomAD 0.00001.
gnomAD v4.1: 7 of 1,612,930 alleles (0.00043%); highest among the groups gnomAD compares: Non-Finnish European, 0.00059%; no homozygotes.

Submissions (3):

Color Diagnostics, LLC DBA Color Health
Classification: Uncertain significance for Malignant hyperthermia, susceptibility to, 1. Last evaluated: 2025-08-26. Review status: criteria provided, single submitter. Criteria: ACMG Guidelines, 2015. Collection method: clinical testing. Allele origin: germline.
Comment: This missense variant replaces aspartic acid with glycine at codon 3861 of the RYR1 protein. Computational prediction suggests that this variant may not impact protein structure and function. To our knowledge, functional studies have not been reported for this variant. This variant has not been reported in individuals affected with RYR1-related disorders in the literature. This variant has not been identified in the general population by the Genome Aggregation Database (gnomAD). The available evidence is insufficient to determine the role of this variant in disease conclusively. Therefore, this variant is classified as a Variant of Uncertain Significance.

GeneDx
Classification: Uncertain significance. Last evaluated: 2022-04-07. Review status: criteria provided, single submitter. Criteria: GeneDx Variant Classification Process June 2021. Collection method: clinical testing. Allele origin: germline. Affected: yes.
Comment: Not observed at significant frequency in large population cohorts (gnomAD); In silico analysis supports that this missense variant has a deleterious effect on protein structure/function; In silico analysis, which includes splice predictors and evolutionary conservation, suggests this variant may impact gene splicing. In the absence of RNA/functional studies, the actual effect of this sequence change is unknown.; Observed in an individual with central core myopathy in published literature (Wojcik MH et al., 2019) who harbored a second RYR1 variant, the phase of which was unknown; This variant is associated with the following publications: (PMID: 31395954)

PreventionGenetics, part of Exact Sciences
Classification: Uncertain significance. Last evaluated: 2016-05-27. Review status: criteria provided, single submitter. Criteria: ACMG Guidelines, 2015. Collection method: clinical testing. Allele origin: germline.